The following is an entry in ClinVar:

ClinVar aggregate classification (germline): Uncertain significance. Review status: criteria provided, multiple submitters, no conflicts (2 of 4 stars). 2 submissions from 2 submitters: Uncertain significance (2). Last evaluated 2024-12-10.

Conditions:
Mitochondrial hypertrophic cardiomyopathy with lactic acidosis due to MTO1 deficiency. Also called: CARDIOMYOPATHY, INFANTILE HYPERTROPHIC MITOCHONDRIAL, AND LACTIC ACIDOSIS; Combined oxidative phosphorylation deficiency 10. Identifiers: Orphanet 314637, MedGen C4749921, MONDO:0013865, OMIM 614702.

Allele frequency attached by ClinVar (database versions not stated): ExAC 0.00001; gnomAD exomes 0.00001; TOPMed 0.00001.
gnomAD v4.1: 9 of 1,612,720 alleles (0.00056%); highest among the groups gnomAD compares: Admixed American, 0.0017%; no homozygotes.

Submissions (2):

GeneDx
Classification: Uncertain significance. Last evaluated: 2024-12-10. Review status: criteria provided, single submitter. Criteria: GeneDx Variant Classification Process June 2021. Collection method: clinical testing. Allele origin: germline. Affected: yes.
Comment: Not observed at significant frequency in large population cohorts (gnomAD); In silico analysis indicates that this missense variant does not alter protein structure/function; Has not been previously published as pathogenic or benign to our knowledge

Labcorp Genetics (formerly Invitae), Labcorp
Classification: Uncertain significance for Mitochondrial hypertrophic cardiomyopathy with lactic acidosis due to MTO1 deficiency. Last evaluated: 2022-05-07. Review status: criteria provided, single submitter. Criteria: Invitae Variant Classification Sherloc (09022015). Collection method: clinical testing. Allele origin: germline.
Comment: This sequence change replaces lysine, which is basic and polar, with glutamic acid, which is acidic and polar, at codon 676 of the MTO1 protein (p.Lys676Glu). This variant is present in population databases (rs765602185, gnomAD 0.002%). This variant has not been reported in the literature in individuals affected with MTO1-related conditions. Algorithms developed to predict the effect of missense changes on protein structure and function (SIFT, PolyPhen-2, Align-GVGD) all suggest that this variant is likely to be tolerated. In summary, the available evidence is currently insufficient to determine the role of this variant in disease. Therefore, it has been classified as a Variant of Uncertain Significance.

NM_012123.4(MTO1):c.2026A>G (p.Lys676Glu)

Gene: MTO1 (mitochondrial tRNA translation optimization 1; plus strand). Cytogenetic location: 6q13.
Variant type: single nucleotide variant.
Coding change: c.2026A>G on transcript NM_012123.4 (MANE Select); coding-DNA position 2026, A replaced by G.
Protein change: p.Lys676Glu; replaces lysine 676 with glutamic acid.
Molecular consequence: missense variant.
Genome position (GRCh38, 1-based): chr6:73,500,682, A>G. VCF-style: chr6-73500682-A-G. GRCh37 (hg19) VCF-style: chr6-74210405-A-G.
Other names: c.2146A>G, p.Lys716Glu (NM_001123226.2); c.2101A>G, p.Lys701Glu (NM_133645.3); c.2026A>G (NM_012123.3); short protein forms K716E, K701E, K676E.
Identifiers: ClinVar variation 2073342 (VCV002073342.2), dbSNP rs765602185, ClinGen allele CA3889812.